The following is an entry in ClinVar:

ClinVar aggregate classification (germline): Likely benign. Review status: criteria provided, multiple submitters, no conflicts (2 of 4 stars). 2 submissions from 2 submitters: Likely benign (2). Last evaluated 2026-06-01.

Allele frequency attached by ClinVar (database versions not stated): 1000 Genomes Project 30x 0.00016; 1000 Genomes Project 0.00020; ExAC 0.00041.

Submissions (2):

CeGaT Center for Human Genetics Tuebingen
Classification: Likely benign. Last evaluated: 2026-06-01. Review status: criteria provided, single submitter. Criteria: CeGaT Center For Human Genetics Tuebingen Variant Classification Criteria Version 2. Collection method: clinical testing. Allele origin: germline. Affected: yes. Observed: 1 variant allele.
Comment: KLF1: BP4, BP7

Labcorp Genetics (formerly Invitae), Labcorp
Classification: Likely benign. Last evaluated: 2024-11-27. Review status: criteria provided, single submitter. Criteria: Invitae Variant Classification Sherloc (09022015). Collection method: clinical testing. Allele origin: germline.

NM_006563.5(KLF1):c.270G>T (p.Ala90=)

Gene: KLF1 (KLF transcription factor 1; minus strand). Cytogenetic location: 19p13.13.
Variant type: single nucleotide variant.
Coding change: c.270G>T on transcript NM_006563.5 (MANE Select); coding-DNA position 270, G replaced by T.
Protein change: p.Ala90=; no amino-acid change (alanine 90 retained).
Molecular consequence: synonymous variant.
Genome position (GRCh38, 1-based): chr19:12,885,960, C>A on the plus strand (G>T on the coding strand, the complement: KLF1 is on the minus strand). VCF-style: chr19-12885960-C-A. GRCh37 (hg19) VCF-style: chr19-12996774-C-A.
Identifiers: ClinVar variation 1980826 (VCV001980826.5), dbSNP rs540740269, ClinGen allele CA9234070.